The following is an entry in ClinVar:

NM_012186.3(FOXE3):c.639C>T (p.Pro213=)

Genes: FOXE3 (forkhead box E3; plus strand), LINC01389 (long independently transcribed non-coding RNA 1389; minus strand). Cytogenetic location: 1p33.
Variant type: single nucleotide variant.
Coding change: c.639C>T on transcript NM_012186.3 (MANE Select); coding-DNA position 639, C replaced by T.
Protein change: p.Pro213=; no amino-acid change (proline 213 retained).
Molecular consequence: synonymous variant.
Genome position (GRCh38, 1-based): chr1:47,416,954, C>T. VCF-style: chr1-47416954-C-T. GRCh37 (hg19) VCF-style: chr1-47882626-C-T.
Identifiers: ClinVar variation 4788066 (VCV004788066.1).
Genomic context (GRCh38, chr1:47,416,954, plus strand): 5'-CGCGCCCGGCCCCGCGCTGCTGGTGCCGCCGCCTTCTGCCGGACCGGGCCCCTCGCCGCC[C>T]GCGCGTCTGTTCAGCGTCGACAGCCTGGTGAACCTGCAGCCGGAGCTAGCGGGGCTGGGC-3'
Protein context (NP_036318.1, residues 203-223): PPSAGPGPSP[Pro213=]ARLFSVDSLV

ClinVar aggregate classification (germline): Uncertain significance (1 of 4 stars; one submission).

Conditions:
Anterior segment dysgenesis. Also called: Ocular anterior segment dysgenesis. Identifiers: Orphanet 88632, MedGen C1862839, MONDO:0019503, HP:0007700.
Congenital primary aphakia. Also called: Anterior segment dysgenesis 2, multiple subtypes; ANTERIOR SEGMENT DYSGENESIS 2. Identifiers: Orphanet 83461, MedGen C1853230, MONDO:0012456, OMIM 610256.

Submission:

Labcorp Genetics (formerly Invitae), Labcorp
Classification: Uncertain significance for Anterior segment dysgenesis; Congenital primary aphakia. Last evaluated: 2025-12-26. Review status: criteria provided, single submitter. Criteria: Invitae Variant Classification Sherloc (09022015). Collection method: clinical testing. Allele origin: germline.
Comment: This sequence change affects codon 213 of the FOXE3 mRNA. It is a 'silent' change, meaning that it does not change the encoded amino acid sequence of the FOXE3 protein. This variant is not present in population databases (gnomAD no frequency). This variant has not been reported in the literature in individuals affected with FOXE3-related conditions. Experimental studies and prediction algorithms are not available or were not evaluated, and the effect of this variant on mRNA splicing is currently unknown. In summary, the available evidence is currently insufficient to determine the role of this variant in disease. Therefore, it has been classified as a Variant of Uncertain Significance.